The following is an entry in ClinVar:

NM_001401501.2(MUC16):c.37991+7C>T

Gene: MUC16 (mucin 16, cell surface associated; minus strand). Cytogenetic location: 19p13.2.
Variant type: single nucleotide variant.
Coding change: c.37991+7C>T on transcript NM_001401501.2 (MANE Select); 7 bases into the intron after coding-DNA position 37991, C replaced by T.
Molecular consequence: intron variant.
Genome position (GRCh38, 1-based): chr19:8,907,450, G>A on the plus strand (C>T on the coding strand, the complement: MUC16 is on the minus strand). VCF-style: chr19-8907450-G-A. GRCh37 (hg19) VCF-style: chr19-9018126-G-A.
Other names: c.38417+7C>T (NM_001414686.1); c.37871+7C>T (NM_001414687.1); c.37805+7C>T (NM_024690.2).
Identifiers: ClinVar variation 3039070 (VCV003039070.2), dbSNP rs372267948, ClinGen allele CA9164944.

ClinVar aggregate classification (germline): Likely benign (0 of 4 stars; one submission).

Conditions:
MUC16-related disorder. Also called: MUC16-related condition.

Allele frequency attached by ClinVar (database versions not stated): 1000 Genomes Project 0.00040; 1000 Genomes Project 30x 0.00047; ESP Exome Variant Server 0.00049; gnomAD exomes 0.00064; gnomAD 0.00068; ExAC 0.00075; TOPMed 0.00098.

Submission:

PreventionGenetics, part of Exact Sciences
Classification: Likely benign for MUC16-related condition. Last evaluated: 2019-04-11. Review status: no assertion criteria provided. Collection method: clinical testing. Allele origin: germline.
Comment: This variant is classified as likely benign based on ACMG/AMP sequence variant interpretation guidelines (Richards et al. 2015 PMID: 25741868, with internal and published modifications).